The following is an entry in ClinVar:

NM_032634.4(PIGO):c.1132C>T (p.Leu378Phe)

Gene: PIGO (phosphatidylinositol glycan anchor biosynthesis class O; minus strand). Cytogenetic location: 9p13.3.
Variant type: single nucleotide variant.
Coding change: c.1132C>T on transcript NM_032634.4 (MANE Select); coding-DNA position 1132, C replaced by T.
Protein change: p.Leu378Phe; replaces leucine 378 with phenylalanine.
Molecular consequence: missense variant.
Genome position (GRCh38, 1-based): chr9:35,092,755, G>A on the plus strand (C>T on the coding strand, the complement: PIGO is on the minus strand). VCF-style: chr9-35092755-G-A. GRCh37 (hg19) VCF-style: chr9-35092752-G-A.
Other names: c.1132C>T, p.Leu378Phe (NM_001201484.2, NM_152850.4); short protein forms L378F.
Identifiers: ClinVar variation 372633 (VCV000372633.60), dbSNP rs746870615, ClinGen allele CA5040708.

ClinVar aggregate classification (germline): Uncertain significance. Review status: criteria provided, multiple submitters, no conflicts (2 of 4 stars). 9 submissions from 9 submitters: Uncertain significance (7). 2 of the submissions do not count toward it. Last evaluated 2025-11-03.

Conditions:
Hyperphosphatasia with impaired intellectual development syndrome 2. Also called: Hyperphosphatasia with intellectual disability syndrome 2; GLYCOSYLPHOSPHATIDYLINOSITOL BIOSYNTHESIS DEFECT 6. Identifiers: Orphanet 247262, MedGen C3553637, MONDO:0013882, OMIM 614749.
Inborn genetic diseases. Identifiers: MedGen C0950123, MeSH D030342.
PIGO-related disorder. Also called: PIGO-related condition.

Allele frequency attached by ClinVar (database versions not stated): ExAC 0.00014; gnomAD 0.00015 and 0.00016; TOPMed 0.00015; gnomAD exomes 0.00009 and 0.00014.
gnomAD v4.1: 165 of 1,605,420 alleles (0.01%); highest among the groups gnomAD compares: Middle Eastern, 0.5%; no homozygotes.

Submissions (9):

Ambry Genetics
Classification: Uncertain significance for Inborn genetic diseases. Last evaluated: 2025-11-03. Review status: criteria provided, single submitter. Criteria: Ambry Variant Classification Scheme 2023. Collection method: clinical testing. Allele origin: germline.

GeneDx
Classification: Uncertain significance. Last evaluated: 2025-07-15. Review status: criteria provided, single submitter. Criteria: GeneDx Variant Classification Process June 2021. Collection method: clinical testing. Allele origin: germline. Affected: yes.
Comment: In silico analysis suggests that this missense variant does not alter protein structure/function; This variant is associated with the following publications: (PMID: 38044714, 37656370)

Blueprint Genetics
Classification: Uncertain significance. Last evaluated: 2024-10-15. Review status: criteria provided, single submitter. Criteria: ACMG Guidelines, 2015. Collection method: clinical testing. Allele origin: germline.

PreventionGenetics, part of Exact Sciences
Classification: Uncertain significance for PIGO-related condition. Last evaluated: 2024-10-03. Review status: criteria provided, single submitter. Criteria: ACMG Guidelines, 2015. Collection method: clinical testing. Allele origin: germline.
Comment: The PIGO c.1132C>T variant is predicted to result in the amino acid substitution p.Leu378Phe. This variant is reported in 0.045% of alleles in individuals of Latino descent in gnomAD v2 (as displayed in the table above). However, in gnomAD v4 (available only on GRCh38), this variant is reported in 0.50% of alleles in individuals of Middle Eastern descent. This population data is not consistent with this variant being a primary cause of disease. At this time, the clinical significance of this variant is uncertain due to the absence of conclusive functional and genetic evidence.

Labcorp Genetics (formerly Invitae), Labcorp
Classification: Uncertain significance for Hyperphosphatasia with impaired intellectual development syndrome 2. Last evaluated: 2022-10-24. Review status: criteria provided, single submitter. Criteria: Invitae Variant Classification Sherloc (09022015). Collection method: clinical testing. Allele origin: germline.
Comment: This sequence change replaces leucine, which is neutral and non-polar, with phenylalanine, which is neutral and non-polar, at codon 378 of the PIGO protein (p.Leu378Phe). This variant is present in population databases (rs746870615, gnomAD 0.04%). This variant has not been reported in the literature in individuals affected with PIGO-related conditions. ClinVar contains an entry for this variant (Variation ID: 372633). Advanced modeling of protein sequence and biophysical properties (such as structural, functional, and spatial information, amino acid conservation, physicochemical variation, residue mobility, and thermodynamic stability) performed at Invitae indicates that this missense variant is not expected to disrupt PIGO protein function. In summary, the available evidence is currently insufficient to determine the role of this variant in disease. Therefore, it has been classified as a Variant of Uncertain Significance.

Revvity Omics, Revvity
Classification: Uncertain significance for Hyperphosphatasia with impaired intellectual development syndrome 2. Last evaluated: 2019-04-19. Review status: criteria provided, single submitter. Criteria: ACMG Guidelines, 2015. Collection method: clinical testing. Allele origin: germline.

CeGaT Center for Human Genetics Tuebingen
Classification: Uncertain significance. Last evaluated: 2019-04-01. Review status: criteria provided, single submitter. Criteria: CeGaT Center For Human Genetics Tuebingen Variant Classification Criteria Version 2. Collection method: clinical testing. Allele origin: germline. Affected: yes. Observed: 1 variant allele.

Joint Genome Diagnostic Labs from Nijmegen and Maastricht, Radboudumc and MUMC+
Classification: Uncertain significance. Review status: no assertion criteria provided. Collection method: clinical testing. Allele origin: germline. Affected: yes. Study: VKGL Data-share Consensus. Not counted in ClinVar's aggregate classification.

Laboratory of Diagnostic Genome Analysis, Leiden University Medical Center (LUMC)
Classification: Uncertain significance. Review status: no assertion criteria provided. Collection method: clinical testing. Allele origin: germline. Affected: yes. Study: VKGL Data-share Consensus. Not counted in ClinVar's aggregate classification.